The following is an entry in ClinVar:

NM_020975.6(RET):c.1863G>A (p.Glu621=)

Gene: RET (ret proto-oncogene; plus strand). Cytogenetic location: 10q11.21.
Variant type: single nucleotide variant.
Coding change: c.1863G>A on transcript NM_020975.6 (MANE Select); coding-DNA position 1863, G replaced by A.
Protein change: p.Glu621=; no amino-acid change (glutamic acid 621 retained).
Molecular consequence: synonymous variant. On other transcripts: intron variant (2).
Genome position (GRCh38, 1-based): chr10:43,113,659, G>A. VCF-style: chr10-43113659-G-A. GRCh37 (hg19) VCF-style: chr10-43609107-G-A.
Other names: c.1863G>A, p.Glu621= (NM_000323.2, NM_001406743.1, NM_001406744.1 and 6 more transcripts); c.1101G>A, p.Glu367= (NM_001355216.2); c.1734G>A, p.Glu578= (NM_001406761.1, NM_001406762.1, NM_001406764.1 and 1 more transcripts); c.1575G>A, p.Glu525= (NM_001406766.1, NM_001406767.1, NM_001406770.1); c.1467G>A, p.Glu489= (NM_001406769.1, NM_001406772.1); c.1425G>A, p.Glu475= (NM_001406771.1, NM_001406773.1); c.1338G>A, p.Glu446= (NM_001406774.1); c.1137G>A, p.Glu379= (NM_001406775.1, NM_001406776.1, NM_001406777.1 and 1 more transcripts); and 7 more.
Identifiers: ClinVar variation 705332 (VCV000705332.11), dbSNP rs766438951, ClinGen allele CA035855.

ClinVar aggregate classification (germline): Likely benign. Review status: criteria provided, multiple submitters, no conflicts (2 of 4 stars). 3 submissions from 3 submitters: Likely benign (3). Last evaluated 2023-12-13.

Conditions:
Hereditary cancer-predisposing syndrome. Also called: Neoplastic Syndromes, Hereditary; Hereditary Cancer Syndrome; Tumor predisposition; Hereditary neoplastic syndrome. Identifiers: Orphanet 140162, MedGen C0027672, MeSH D009386, MONDO:0015356.
Multiple endocrine neoplasia, type 2 (MEN2). Identifiers: Orphanet 653, MedGen C4048306, MONDO:0019003. Disease mechanism: gain of function.

Allele frequency attached by ClinVar (database versions not stated): gnomAD exomes below 0.00001 and 0.00001; gnomAD 0.00001; TOPMed 0.00001; ExAC 0.00002.
gnomAD v4.1: 4 of 1,613,206 alleles (0.00025%); highest among the groups gnomAD compares: East Asian, 0.0022%; no homozygotes.

Submissions (3):

All of Us Research Program, National Institutes of Health
Classification: Likely benign for Multiple endocrine neoplasia, type 2. Last evaluated: 2023-12-13. Review status: criteria provided, single submitter. Criteria: ACMG Guidelines, 2015. Collection method: clinical testing. Allele origin: germline. Inheritance: Autosomal dominant inheritance. Observed: 1 variant allele, 1 heterozygote.
Comment: This study involves interpretation of variants in research participants for the purpose of population health screening. Participant phenotype was not available at the time of variant classification. Additional details can be found in publication PMID: 35346344, PMCID: PMC8962531

Labcorp Genetics (formerly Invitae), Labcorp
Classification: Likely benign for Multiple endocrine neoplasia, type 2. Last evaluated: 2023-01-20. Review status: criteria provided, single submitter. Criteria: Invitae Variant Classification Sherloc (09022015). Collection method: clinical testing. Allele origin: germline.

Ambry Genetics
Classification: Likely benign for Hereditary cancer-predisposing syndrome. Last evaluated: 2021-05-27. Review status: criteria provided, single submitter. Criteria: Ambry Variant Classification Scheme 2023. Collection method: clinical testing. Allele origin: germline.